The following is an entry in ClinVar:

ClinVar aggregate classification (germline): Uncertain significance (1 of 4 stars; one submission).

Conditions:
Idiopathic generalized epilepsy. Also called: Generalised epilepsy; EIG. Identifiers: MedGen C0270850, MONDO:0005579, OMIM 600669.
Hyperaldosteronism, familial, type IV (HALD4). Also called: FH IV; ALDOSTERONISM, PRIMARY, AND HYPERTENSION. Identifiers: Orphanet 642671, MedGen C4310756, MONDO:0014875, OMIM 617027.

Allele frequency attached by ClinVar (database versions not stated): ExAC 0.00002; gnomAD exomes 0.00002; TOPMed 0.00002; gnomAD 0.00003 and 0.00004.
gnomAD v4.1: 36 of 1,612,252 alleles (0.0022%); highest among the groups gnomAD compares: African/African-American, 0.019%; no homozygotes.

Submission:

Labcorp Genetics (formerly Invitae), Labcorp
Classification: Uncertain significance for Idiopathic generalized epilepsy; Hyperaldosteronism, familial, type IV. Last evaluated: 2024-02-23. Review status: criteria provided, single submitter. Criteria: Invitae Variant Classification Sherloc (09022015). Collection method: clinical testing. Allele origin: germline.
Comment: This sequence change replaces valine, which is neutral and non-polar, with isoleucine, which is neutral and non-polar, at codon 1655 of the CACNA1H protein (p.Val1655Ile). This variant is present in population databases (rs535413428, gnomAD 0.007%). This variant has not been reported in the literature in individuals affected with CACNA1H-related conditions. ClinVar contains an entry for this variant (Variation ID: 999371). Advanced modeling of protein sequence and biophysical properties (such as structural, functional, and spatial information, amino acid conservation, physicochemical variation, residue mobility, and thermodynamic stability) performed at Invitae indicates that this missense variant is not expected to disrupt CACNA1H protein function with a negative predictive value of 80%. In summary, the available evidence is currently insufficient to determine the role of this variant in disease. Therefore, it has been classified as a Variant of Uncertain Significance.

NM_021098.3(CACNA1H):c.4963G>A (p.Val1655Ile)

Gene: CACNA1H (calcium voltage-gated channel subunit alpha1 H; plus strand). Cytogenetic location: 16p13.3.
Variant type: single nucleotide variant.
Coding change: c.4963G>A on transcript NM_021098.3 (MANE Select); coding-DNA position 4963, G replaced by A.
Protein change: p.Val1655Ile; replaces valine 1655 with isoleucine.
Molecular consequence: missense variant.
Genome position (GRCh38, 1-based): chr16:1,215,005, G>A. VCF-style: chr16-1215005-G-A. GRCh37 (hg19) VCF-style: chr16-1265005-G-A.
Other names: c.4945G>A, p.Val1649Ile (NM_001005407.2); short protein forms V1649I, V1655I.
Identifiers: ClinVar variation 999371 (VCV000999371.8), dbSNP rs535413428, ClinGen allele CA7801719.